The following is an entry in ClinVar:

NM_032043.3(BRIP1):c.2406C>T (p.Asp802=)

Gene: BRIP1 (BRCA1 interacting DNA helicase 1; minus strand). Cytogenetic location: 17q23.2.
Variant type: single nucleotide variant.
Coding change: c.2406C>T on transcript NM_032043.3 (MANE Select); coding-DNA position 2406, C replaced by T.
Protein change: p.Asp802=; no amino-acid change (aspartic acid 802 retained).
Molecular consequence: synonymous variant.
Genome position (GRCh38, 1-based): chr17:61,716,037, G>A on the plus strand (C>T on the coding strand, the complement: BRIP1 is on the minus strand). VCF-style: chr17-61716037-G-A. GRCh37 (hg19) VCF-style: chr17-59793398-G-A.
Identifiers: ClinVar variation 491440 (VCV000491440.24), dbSNP rs748981650, ClinGen allele CA8690533.

ClinVar aggregate classification (germline): Benign/Likely benign. Review status: criteria provided, multiple submitters, no conflicts (2 of 4 stars). 7 submissions from 7 submitters: Benign (1); Likely benign (5). 1 of the submissions does not count toward it. Last evaluated 2026-01-20.

Conditions:
Hereditary cancer-predisposing syndrome. Also called: Tumor predisposition; Neoplastic Syndromes, Hereditary; Hereditary Cancer Syndrome; Hereditary neoplastic syndrome. Identifiers: Orphanet 140162, MedGen C0027672, MeSH D009386, MONDO:0015356.
Fanconi anemia complementation group J. Also called: BRIP1-Related Fanconi Anemia. Identifiers: Orphanet 84, MedGen C1836860, MONDO:0012187, OMIM 609054.
Familial cancer of breast. Also called: BREAST CANCER, FAMILIAL; hereditary breast carcinoma; Hereditary breast cancer. Identifiers: Orphanet 227535, MedGen C0346153, MONDO:0016419, OMIM 114480. Disease mechanism: loss of function.

Allele frequency attached by ClinVar (database versions not stated): gnomAD 0.00002; TOPMed 0.00002.
gnomAD v4.1: 14 of 1,604,990 alleles (0.00087%); highest among the groups gnomAD compares: East Asian, 0.025%; no homozygotes.

Submissions (7):

Labcorp Genetics (formerly Invitae), Labcorp
Classification: Likely benign for Familial cancer of breast; Fanconi anemia complementation group J. Last evaluated: 2026-01-20. Review status: criteria provided, single submitter. Criteria: Invitae Variant Classification Sherloc (09022015). Collection method: clinical testing. Allele origin: germline.

Myriad Genetics, Inc.
Classification: Benign for Familial cancer of breast. Last evaluated: 2024-09-04. Review status: criteria provided, single submitter. Criteria: Myriad Autosomal Dominant, Autosomal Recessive and X-Linked Classification Criteria (2023). Collection method: clinical testing. Allele origin: unknown.
Comment: This variant is considered benign. This variant is a silent/synonymous amino acid change and it is not expected to impact splicing.

Quest Diagnostics Nichols Institute San Juan Capistrano
Classification: Likely benign. Last evaluated: 2019-07-15. Review status: criteria provided, single submitter. Criteria: Quest Diagnostics criteria. Collection method: clinical testing. Allele origin: germline.

GeneDx
Classification: Likely benign. Last evaluated: 2019-05-20. Review status: criteria provided, single submitter. Criteria: GeneDx Variant Classification Process June 2021. Collection method: clinical testing. Allele origin: germline. Affected: yes.

Ambry Genetics
Classification: Likely benign for Hereditary cancer-predisposing syndrome. Last evaluated: 2017-01-12. Review status: criteria provided, single submitter. Criteria: Ambry Variant Classification Scheme 2023. Collection method: clinical testing. Allele origin: germline.

Color Diagnostics, LLC DBA Color Health
Classification: Likely benign for Hereditary cancer-predisposing syndrome. Last evaluated: 2015-04-14. Review status: criteria provided, single submitter. Criteria: ACMG Guidelines, 2015. Collection method: clinical testing. Allele origin: germline.

Department of Pathology and Laboratory Medicine, Sinai Health System
Classification: Uncertain significance. Review status: no assertion criteria provided. Collection method: clinical testing. Allele origin: unknown. Affected: yes. Observed: 2 variant alleles. Study: The Canadian Open Genetics Repository (COGR). Not counted in ClinVar's aggregate classification.
Comment: The BRIP1 p.Asp802= variant was not identified in the literature nor was it identified in the ClinVar, Cosmic, MutDB, and Zhejiang Colon Cancer Database. The variant was identified in dbSNP (ID: rs748981650), and in control databases in 10 of 275524 chromosomes at a frequency of 0.00004 (Genome Aggregation Database Feb 27, 2017). It was observed in the following populations: â€šÃ„ÃºOtherâ€šÃ„Ã¹ in 1 of 6428 chromosomes (freq: 0.0002), and East Asian in 9 of 18502 chromosomes (freq: 0.0005); but not in the African, Latino, European Non-Finnish, Ashkenazi Jewish, European Finnish, and South Asian populations. The p.Asp802= variant is not expected to have clinical significance because it does not result in a change of amino acid and is not located in a known consensus splice site. In addition, in silico or computational prediction software programs (SpliceSiteFinder, MaxEntScan, NNSPLICE, GeneSplicer, HumanSpliceFinder) do not predict a difference in splicing. In summary, based on the above information the clinical significance of this variant cannot be determined with certainty at this time. This variant is classified as a variant of uncertain significance.